The following is an entry in ClinVar:

ClinVar aggregate classification (germline): Uncertain significance (1 of 4 stars; one submission).

Conditions:
Developmental and epileptic encephalopathy, 81. Also called: EPILEPTIC ENCEPHALOPATHY, EARLY INFANTILE, 81. Identifiers: MedGen C5231450, MONDO:0032858, OMIM 618663.

Submission:

Dasa
Classification: Uncertain significance for Developmental and epileptic encephalopathy, 81. Last evaluated: 2025-11-25. Review status: criteria provided, single submitter. Criteria: DASA Assertion Criteria. Collection method: clinical testing. Allele origin: germline.
Comment: NM_001378457.1(DMXL2):c.4717A>C (p.Met1573Leu) is a missense variant that results in the substitution of methionine with leucine. This variant is absent from population databases. The currently available literature and clinical evidence are not sufficient to establish a definitive association between this variant and the reported condition. Therefore, this variant is classified as a variant of uncertain significance.

NM_001378457.1(DMXL2):c.4717A>C (p.Met1573Leu)

Gene: DMXL2 (Dmx like 2; minus strand). Cytogenetic location: 15q21.2.
Variant type: single nucleotide variant.
Coding change: c.4717A>C on transcript NM_001378457.1 (MANE Select); coding-DNA position 4717, A replaced by C.
Protein change: p.Met1573Leu; replaces methionine 1573 with leucine.
Molecular consequence: missense variant. On other transcripts: non-coding transcript variant (2), intron variant (1).
Genome position (GRCh38, 1-based): chr15:51,495,090, T>G on the plus strand (A>C on the coding strand, the complement: DMXL2 is on the minus strand). VCF-style: chr15-51495090-T-G. GRCh37 (hg19) VCF-style: chr15-51787287-T-G.
Other names: c.4477A>C, p.Met1493Leu (NM_001378464.1); c.4717A>C, p.Met1573Leu (NM_015263.5, NM_001174116.3, NM_001378458.1 and 4 more transcripts); c.2765-3343A>C (NM_001378460.1); c.2809A>C, p.Met937Leu (NM_001174117.3); short protein forms M1493L, M1573L, M937L.
Identifiers: ClinVar variation 4883098 (VCV004883098.2).
Genomic context (GRCh38, chr15:51,495,090, plus strand): 5'-GAAGTAGCTGCACTCGGTATAAAGGAGGCAGCGATGTCAAAAGGCATGTGTGTAGGCGCA[T>G]AGCTAACAAGTATCTCAAACCACACTCATCTAATGTATCTCTTCCTGTAATTTAAACAGG-3'
Protein context (NP_001365386.1, residues 1563-1583): DECGLRYLLA[Met1573Leu]RLHTCLLTSL